The following is an entry in ClinVar:

ClinVar aggregate classification (germline): Uncertain significance (1 of 4 stars; one submission).

Conditions:
Hyper-IgE recurrent infection syndrome 1, autosomal dominant. Also called: STAT3 Hyper IgE Syndrome; Hyper-IgE recurrent infection syndrome 1; HYPER-IgE SYNDROME 1, AUTOSOMAL DOMINANT, WITH RECURRENT INFECTIONS; Job's Syndrome; JOB SYNDROME. Identifiers: Orphanet 2314, MedGen C2936739, MONDO:0007818, OMIM 147060.
STAT3 gain of function. Identifiers: MedGen C4288261.

Allele frequency attached by ClinVar (database versions not stated): gnomAD exomes below 0.00001.
gnomAD v4.1: 2 of 1,613,454 alleles (0.00012%); highest among the groups gnomAD compares: Non-Finnish European, 0.000085%; no homozygotes.

Submission:

Labcorp Genetics (formerly Invitae), Labcorp
Classification: Uncertain significance for STAT3 gain of function; Hyper-IgE recurrent infection syndrome 1, autosomal dominant. Last evaluated: 2019-10-16. Review status: criteria provided, single submitter. Criteria: Invitae Variant Classification Sherloc (09022015). Collection method: clinical testing. Allele origin: germline.
Comment: In summary, the available evidence is currently insufficient to determine the role of this variant in disease. Therefore, it has been classified as a Variant of Uncertain Significance. Algorithms developed to predict the effect of missense changes on protein structure and function are either unavailable or do not agree on the potential impact of this missense change (SIFT: "Deleterious"; PolyPhen-2: "Benign"; Align-GVGD: "Class C0"). This variant has not been reported in the literature in individuals with STAT3-related conditions. This variant is not present in population databases (ExAC no frequency). This sequence change replaces arginine with glycine at codon 154 of the STAT3 protein (p.Arg154Gly). The arginine residue is moderately conserved and there is a moderate physicochemical difference between arginine and glycine.

NM_139276.3(STAT3):c.460A>G (p.Arg154Gly)

Gene: STAT3 (signal transducer and activator of transcription 3; minus strand). Cytogenetic location: 17q21.2.
Variant type: single nucleotide variant.
Coding change: c.460A>G on transcript NM_139276.3 (MANE Select); coding-DNA position 460, A replaced by G.
Protein change: p.Arg154Gly; replaces arginine 154 with glycine.
Molecular consequence: missense variant.
Genome position (GRCh38, 1-based): chr17:42,339,322, T>C on the plus strand (A>G on the coding strand, the complement: STAT3 is on the minus strand). VCF-style: chr17-42339322-T-C. GRCh37 (hg19) VCF-style: chr17-40491340-T-C.
Other names: c.460A>G, p.Arg154Gly (NM_001369512.1, NM_001369513.1, NM_001369514.1 and 7 more transcripts); short protein forms R154G.
Identifiers: ClinVar variation 967798 (VCV000967798.10), dbSNP rs2082347176, ClinGen allele CA399594965.